The following is an entry in ClinVar:

NM_001267550.2(TTN):c.102344G>A (p.Gly34115Asp)

Genes: TTN (titin; minus strand), TTN-AS1 (TTN antisense RNA 1; plus strand). Cytogenetic location: 2q31.2.
Variant type: single nucleotide variant.
Coding change: c.102344G>A on transcript NM_001267550.2 (MANE Select); coding-DNA position 102344, G replaced by A.
Protein change: p.Gly34115Asp; replaces glycine 34115 with aspartic acid.
Molecular consequence: missense variant.
Genome position (GRCh38, 1-based): chr2:178,534,271, C>T on the plus strand (G>A on the coding strand, the complement: TTN is on the minus strand). VCF-style: chr2-178534271-C-T. GRCh37 (hg19) VCF-style: chr2-179398998-C-T.
Other names: c.97421G>A, p.Gly32474Asp (NM_001256850.1); c.75149G>A, p.Gly25050Asp (NM_003319.4); c.94640G>A, p.Gly31547Asp (NM_133378.4); c.75524G>A, p.Gly25175Asp (NM_133432.3); c.75725G>A, p.Gly25242Asp (NM_133437.4); short protein forms G31547D, G25242D, G25175D, G32474D, G34115D, G25050D.
Identifiers: ClinVar variation 1497772 (VCV001497772.6), dbSNP rs1342246182, ClinGen allele CA349417840.
Genomic context (GRCh38, chr2:178,534,271, plus strand): 5'-ATTTCAATGGATGCCACTTTAACTTTAGCAACACTCACTCCCTTCTGAGATCGAATTGCA[C>T]CACCACAGGAGATCCGGGCTGCTGACACAACCATGTTGAGGTCTTTCTTGATCAGGGTGT-3'
Protein context (NP_001254479.2, residues 34105-34125): VVSAARISCG[Gly34115Asp]AIRSQKGVSV

ClinVar aggregate classification (germline): Uncertain significance (1 of 4 stars; one submission).

Conditions:
Dilated cardiomyopathy 1G (CMD1G). Identifiers: Orphanet 154, MedGen C1858763, MONDO:0011400, OMIM 604145.
Autosomal recessive limb-girdle muscular dystrophy type 2J (LGMDR10). Also called: Limb-girdle muscular dystrophy, type 2J; MUSCULAR DYSTROPHY, LIMB-GIRDLE, AUTOSOMAL RECESSIVE 10. Identifiers: Orphanet 140922, MedGen C1837342, MONDO:0012127, OMIM 608807.

Submission:

Labcorp Genetics (formerly Invitae), Labcorp
Classification: Uncertain significance for Dilated cardiomyopathy 1G; Autosomal recessive limb-girdle muscular dystrophy type 2J. Last evaluated: 2022-02-25. Review status: criteria provided, single submitter. Criteria: Invitae Variant Classification Sherloc (09022015). Collection method: clinical testing. Allele origin: germline.
Comment: In summary, the available evidence is currently insufficient to determine the role of this variant in disease. Therefore, it has been classified as a Variant of Uncertain Significance. This variant is located in the M band of TTN (PMID: 25589632). Variants in this region may be relevant for neuromuscular disorders, but have not been definitively shown to cause cardiomyopathy (PMID: 23975875). Experimental studies and prediction algorithms are not available or were not evaluated, and the functional significance of this variant is currently unknown. This variant has not been reported in the literature in individuals affected with TTN-related conditions. This variant is not present in population databases (gnomAD no frequency). This sequence change replaces glycine, which is neutral and non-polar, with aspartic acid, which is acidic and polar, at codon 34115 of the TTN protein (p.Gly34115Asp).

Literature cited by the submitters: PubMed 25589632; PubMed 23975875.